The following is an entry in ClinVar:

NM_001288705.3(CSF1R):c.2038G>A (p.Glu680Lys)

Gene: CSF1R (colony stimulating factor 1 receptor; minus strand). Cytogenetic location: 5q32.
Variant type: single nucleotide variant.
Coding change: c.2038G>A on transcript NM_001288705.3 (MANE Select); coding-DNA position 2038, G replaced by A.
Protein change: p.Glu680Lys; replaces glutamic acid 680 with lysine.
Molecular consequence: missense variant.
Genome position (GRCh38, 1-based): chr5:150,059,794, C>T on the plus strand (G>A on the coding strand, the complement: CSF1R is on the minus strand). VCF-style: chr5-150059794-C-T. GRCh37 (hg19) VCF-style: chr5-149439357-C-T.
Other names: c.2038G>A, p.Glu680Lys (NM_001349736.2, NM_001375320.1, NM_005211.4); c.1594G>A, p.Glu532Lys (NM_001375321.1); short protein forms E680K, E532K.
Identifiers: ClinVar variation 2770769 (VCV002770769.3), dbSNP rs2113787592, ClinGen allele CA361762053.

ClinVar aggregate classification (germline): Uncertain significance (1 of 4 stars; one submission).

Allele frequency attached by ClinVar (database versions not stated): gnomAD exomes below 0.00001.
gnomAD v4.1: 1 of 1,614,212 alleles (0.000062%); highest among the groups gnomAD compares: Non-Finnish European, 0.000085%; no homozygotes.

Submission:

Labcorp Genetics (formerly Invitae), Labcorp
Classification: Uncertain significance. Last evaluated: 2023-11-20. Review status: criteria provided, single submitter. Criteria: Invitae Variant Classification Sherloc (09022015). Collection method: clinical testing. Allele origin: germline.
Comment: This sequence change replaces glutamic acid, which is acidic and polar, with lysine, which is basic and polar, at codon 680 of the CSF1R protein (p.Glu680Lys). This variant is not present in population databases (gnomAD no frequency). This variant has not been reported in the literature in individuals affected with CSF1R-related conditions. Advanced modeling of protein sequence and biophysical properties (such as structural, functional, and spatial information, amino acid conservation, physicochemical variation, residue mobility, and thermodynamic stability) performed at Invitae indicates that this missense variant is not expected to disrupt CSF1R protein function with a negative predictive value of 95%. In summary, the available evidence is currently insufficient to determine the role of this variant in disease. Therefore, it has been classified as a Variant of Uncertain Significance.